The following is an entry in ClinVar:

ClinVar aggregate classification (germline): Uncertain significance (1 of 4 stars; one submission).

Conditions:
Primary ciliary dyskinesia. Also called: Ciliary dyskinesia. Identifiers: Orphanet 244, MedGen C0008780, MONDO:0016575, HP:0012265.

Allele frequency attached by ClinVar (database versions not stated): gnomAD exomes 0.00004 and 0.00019; gnomAD 0.00005 and 0.00006; TOPMed 0.00015; ExAC 0.00019; 1000 Genomes Project 0.00020; 1000 Genomes Project 30x 0.00031.

Submission:

Labcorp Genetics (formerly Invitae), Labcorp
Classification: Uncertain significance for Primary ciliary dyskinesia. Last evaluated: 2022-06-04. Review status: criteria provided, single submitter. Criteria: Invitae Variant Classification Sherloc (09022015). Collection method: clinical testing. Allele origin: germline.
Comment: This sequence change replaces alanine, which is neutral and non-polar, with valine, which is neutral and non-polar, at codon 238 of the RSPH1 protein (p.Ala238Val). This variant is present in population databases (rs201984262, gnomAD 0.2%). This variant has not been reported in the literature in individuals affected with RSPH1-related conditions. ClinVar contains an entry for this variant (Variation ID: 950298). Algorithms developed to predict the effect of missense changes on protein structure and function output the following: SIFT: "Tolerated"; PolyPhen-2: "Benign"; Align-GVGD: "Class C0". The valine amino acid residue is found in multiple mammalian species, which suggests that this missense change does not adversely affect protein function. In summary, the available evidence is currently insufficient to determine the role of this variant in disease. Therefore, it has been classified as a Variant of Uncertain Significance.

NM_080860.4(RSPH1):c.713C>T (p.Ala238Val)

Gene: RSPH1 (radial spoke head component 1; minus strand). Cytogenetic location: 21q22.3.
Variant type: single nucleotide variant.
Coding change: c.713C>T on transcript NM_080860.4 (MANE Select); coding-DNA position 713, C replaced by T.
Protein change: p.Ala238Val; replaces alanine 238 with valine.
Molecular consequence: missense variant.
Genome position (GRCh38, 1-based): chr21:42,477,305, G>A on the plus strand (C>T on the coding strand, the complement: RSPH1 is on the minus strand). VCF-style: chr21-42477305-G-A. GRCh37 (hg19) VCF-style: chr21-43897415-G-A.
Other names: c.599C>T, p.Ala200Val (NM_001286506.2); short protein forms A200V, A238V.
Identifiers: ClinVar variation 950298 (VCV000950298.5), dbSNP rs201984262, ClinGen allele CA10043824.
Genomic context (GRCh38, chr21:42,477,305, plus strand): 5'-CACACCCTCTGCCCCCTCCACCCCACAGCCCGGGGGTGCCCCACACTCTCAGCTCCTGGA[G>A]CGTCTTGGCCAGGTCCATCCGTAGAGGTCGGCTTTTTGGGGAGAGTTGGTGTCCACAGGG-3'
Protein context (NP_543136.1, residues 228-248): PTSTDGPGQD[Ala238Val]PGAESAGEPG